The following is an entry in ClinVar:

ClinVar aggregate classification (germline): Likely benign (1 of 4 stars; one submission).

Conditions:
PKD1-related disorder. Also called: PKD1-related condition.

gnomAD v4.1: 39 of 1,576,764 alleles (0.0025%); highest among the groups gnomAD compares: African/African-American, 0.023%; no homozygotes.

Submission:

PreventionGenetics, part of Exact Sciences
Classification: Likely benign for PKD1-related condition. Last evaluated: 2025-07-09. Review status: criteria provided, single submitter. Criteria: ACMG Guidelines, 2015. Collection method: clinical testing. Allele origin: germline.
Comment: This variant is classified as likely benign based on ACMG/AMP sequence variant interpretation guidelines (Richards et al. 2015 PMID: 25741868, with internal and published modifications).

NM_001009944.3(PKD1):c.*6C>T

Gene: PKD1 (polycystin 1, transient receptor potential channel interacting; minus strand). Cytogenetic location: 16p13.3.
Variant type: single nucleotide variant.
Coding change: c.*6C>T on transcript NM_001009944.3 (MANE Select); 6 bases downstream of the stop codon, C replaced by T.
Molecular consequence: 3 prime UTR variant.
Genome position (GRCh38, 1-based): chr16:2,089,721, G>A on the plus strand (C>T on the coding strand, the complement: PKD1 is on the minus strand). VCF-style: chr16-2089721-G-A. GRCh37 (hg19) VCF-style: chr16-2139722-G-A.
Other names: c.*6C>T (NM_000296.4).
Identifiers: ClinVar variation 4981728 (VCV004981728.1).